The following is an entry in ClinVar:

ClinVar aggregate classification (germline): Uncertain significance (1 of 4 stars; one submission).

Conditions:
Coffin-Lowry syndrome (CLS). Also called: COFFIN-LOWRY SYNDROME, MILD; Mental retardation with osteocartilaginous abnormalities. Identifiers: Orphanet 192, MedGen C0265252, MONDO:0010561, OMIM 303600.

Submission:

OLLIN Analises Genomicas, OLLIN
Classification: Uncertain significance for Coffin-Lowry syndrome. Last evaluated: 2026-08-06. Review status: criteria provided, single submitter. Criteria: ACMG Guidelines 2015 PMID 25741868. Collection method: clinical testing. Allele origin: germline. Inheritance: X-linked inheritance.
Comment: This missense variant, located in exon 9 (of 22), is absent from gnomAD and ClinVar and has not been identified in the literature. In silico analysis predicts that this variant has a tolerated effect. This gene is constrained for missense variation. According to the currently available evidence, this variant has been classified as uncertain significance (PM2_P, PP2, BP4).

NM_004586.3(RPS6KA3):c.715G>A (p.Val239Ile)

Gene: RPS6KA3 (ribosomal protein S6 kinase A3; minus strand). Cytogenetic location: Xp22.12.
Variant type: single nucleotide variant.
Coding change: c.715G>A on transcript NM_004586.3 (MANE Select); coding-DNA position 715, G replaced by A.
Protein change: p.Val239Ile; replaces valine 239 with isoleucine.
Molecular consequence: missense variant.
Genome position (GRCh38, 1-based): chrX:20,187,887, C>T on the plus strand (G>A on the coding strand, the complement: RPS6KA3 is on the minus strand). VCF-style: chrX-20187887-C-T. GRCh37 (hg19) VCF-style: chrX-20206005-C-T.
Other names: c.631G>A, p.Val211Ile (NM_001438340.1); short protein forms V211I, V239I.
Identifiers: ClinVar variation 5003008 (VCV005003008.1).